The following is an entry in ClinVar:

ClinVar aggregate classification (germline): Uncertain significance (1 of 4 stars; one submission).

Conditions:
LAMA2-related muscular dystrophy (LAMA2-RD). Also called: Laminin alpha 2-related dystrophy. Identifiers: MedGen C5679788, MONDO:0100228.

gnomAD v4.1: 2 of 1,599,976 alleles (0.00013%); highest among the groups gnomAD compares: Non-Finnish European, 0.00017%; no homozygotes.

Submission:

Labcorp Genetics (formerly Invitae), Labcorp
Classification: Uncertain significance for LAMA2-related muscular dystrophy. Last evaluated: 2022-06-20. Review status: criteria provided, single submitter. Criteria: Invitae Variant Classification Sherloc (09022015). Collection method: clinical testing. Allele origin: germline.
Comment: In summary, the available evidence is currently insufficient to determine the role of this variant in disease. Therefore, it has been classified as a Variant of Uncertain Significance. Advanced modeling of protein sequence and biophysical properties (such as structural, functional, and spatial information, amino acid conservation, physicochemical variation, residue mobility, and thermodynamic stability) performed at Invitae indicates that this missense variant is not expected to disrupt LAMA2 protein function. This variant has not been reported in the literature in individuals affected with LAMA2-related conditions. This variant is not present in population databases (gnomAD no frequency). This sequence change replaces threonine, which is neutral and polar, with serine, which is neutral and polar, at codon 2019 of the LAMA2 protein (p.Thr2019Ser).

NM_000426.4(LAMA2):c.6055A>T (p.Thr2019Ser)

Gene: LAMA2 (laminin subunit alpha 2; plus strand). Cytogenetic location: 6q22.33.
Variant type: single nucleotide variant.
Coding change: c.6055A>T on transcript NM_000426.4 (MANE Select); coding-DNA position 6055, A replaced by T.
Protein change: p.Thr2019Ser; replaces threonine 2019 with serine.
Molecular consequence: missense variant.
Genome position (GRCh38, 1-based): chr6:129,438,732, A>T. VCF-style: chr6-129438732-A-T. GRCh37 (hg19) VCF-style: chr6-129759877-A-T.
Other names: c.6055A>T, p.Thr2019Ser (NM_001079823.2); short protein forms T2019S.
Identifiers: ClinVar variation 1417915 (VCV001417915.8), dbSNP rs771196571, ClinGen allele CA365628032.